The following is an entry in ClinVar:

ClinVar aggregate classification (germline): Uncertain significance (1 of 4 stars; one submission).

Conditions:
Early-infantile DEE. Also called: Ohtahara syndrome; Early infantile epileptic encephalopathy; Early infantile epileptic encephalopathy with suppression bursts. Identifiers: Orphanet 1934, MedGen C0393706, MONDO:0800491.

Submission:

Labcorp Genetics (formerly Invitae), Labcorp
Classification: Uncertain significance for Early-infantile DEE. Last evaluated: 2023-10-17. Review status: criteria provided, single submitter. Criteria: Invitae Variant Classification Sherloc (09022015). Collection method: clinical testing. Allele origin: germline.
Comment: This sequence change replaces lysine, which is basic and polar, with glutamine, which is neutral and polar, at codon 92 of the SCN8A protein (p.Lys92Gln). This variant is not present in population databases (gnomAD no frequency). This variant has not been reported in the literature in individuals affected with SCN8A-related conditions. An algorithm developed to predict the effect of missense changes on protein structure and function (PolyPhen-2) suggests that this variant is likely to be disruptive. In summary, the available evidence is currently insufficient to determine the role of this variant in disease. Therefore, it has been classified as a Variant of Uncertain Significance.

NM_001330260.2(SCN8A):c.274A>C (p.Lys92Gln)

Genes: SCN8A (sodium voltage-gated channel alpha subunit 8; plus strand), LOC114803470 (SCN8A eExon liver enhancer; plus strand). Cytogenetic location: 12q13.13.
Variant type: single nucleotide variant.
Coding change: c.274A>C on transcript NM_001330260.2 (MANE Select); coding-DNA position 274, A replaced by C.
Protein change: p.Lys92Gln; replaces lysine 92 with glutamine.
Molecular consequence: missense variant.
Genome position (GRCh38, 1-based): chr12:51,663,091, A>C. VCF-style: chr12-51663091-A-C. GRCh37 (hg19) VCF-style: chr12-52056875-A-C.
Other names: c.274A>C, p.Lys92Gln (NM_001177984.3, NM_001369788.1, NM_014191.4); short protein forms K92Q.
Identifiers: ClinVar variation 2769532 (VCV002769532.3), dbSNP rs1555214325, ClinGen allele CA385215544.